The following is an entry in ClinVar:

NM_001458.5(FLNC):c.1015_1016del (p.Ser339fs)

Gene: FLNC (filamin C; plus strand). Cytogenetic location: 7q32.1.
Variant type: Microsatellite.
Coding change: c.1015_1016del on transcript NM_001458.5 (MANE Select); coding-DNA positions 1015 to 1016, 2 bases deleted (TC; older notation c.1015_1016delTC).
Protein change: p.Ser339fs; shifts the reading frame from serine 339.
Molecular consequence: frameshift variant.
Genome position (GRCh38, 1-based): chr7:128,838,032-128,838,033, TC deleted; deleting any 2 consecutive bases within chr7:128,838,030-128,838,033 gives the same sequence; the c. name uses the placement nearest the transcript's 3' end. VCF-style (leftmost placement, unchanged base first): chr7-128838029-GTC-G. GRCh37 (hg19) VCF-style: chr7-128478083-GTC-G.
Other names: c.1015_1016del, p.Ser339fs (NM_001127487.2); short protein forms S339fs.
Identifiers: ClinVar variation 4812554 (VCV004812554.1).
Genomic context (GRCh38, chr7:128,838,029, plus strand): 5'-CTTTTTCCTTCCTAATAGGCTAAGGTGGTTCCCAACAATGACAAGGATCGCACCTATGCT[GTC>G]TCCTATGTGCCCAAGGTCGCTGGGTTACACAAGGTATCTCCCTCTAGGCCCCCCTGCCTG-3'

ClinVar aggregate classification (germline): Pathogenic (1 of 4 stars; one submission).

Conditions:
Hypertrophic cardiomyopathy 26. Also called: Cardiomyopathy, familial hypertrophic, 26. Identifiers: Orphanet 75249, MedGen C4310749, MONDO:0014883, OMIM 617047.
Myofibrillar myopathy 5. Also called: Filaminopathy (type); FILAMINOPATHY, AUTOSOMAL DOMINANT. Identifiers: Orphanet 171445, MedGen C1836050, MONDO:0012289, OMIM 609524.
Distal myopathy with posterior leg and anterior hand involvement. Also called: WILLIAMS DISTAL MYOPATHY. Identifiers: Orphanet 63273, MedGen C3279722, MONDO:0013550, OMIM 614065.

Submission:

Labcorp Genetics (formerly Invitae), Labcorp
Classification: Pathogenic for Distal myopathy with posterior leg and anterior hand involvement; Myofibrillar myopathy 5; Hypertrophic cardiomyopathy 26. Last evaluated: 2025-11-25. Review status: criteria provided, single submitter. Criteria: Invitae Variant Classification Sherloc (09022015). Collection method: clinical testing. Allele origin: germline.
Comment: This sequence change creates a premature translational stop signal (p.Ser339Leufs*21) in the FLNC gene. It is expected to result in an absent or disrupted protein product. Loss-of-function variants in FLNC are known to be pathogenic (PMID: 27908349). This variant is not present in population databases (gnomAD no frequency). This variant has not been reported in the literature in individuals affected with FLNC-related conditions. Algorithms developed to predict the effect of sequence changes on RNA splicing suggest that this variant may disrupt the consensus splice site. For these reasons, this variant has been classified as Pathogenic.

Literature cited by the submitters: PubMed 27908349.